The following is an entry in ClinVar:

ClinVar aggregate classification (germline): Uncertain significance (1 of 4 stars; one submission).

Conditions:
Familial cancer of breast. Also called: BREAST CANCER, FAMILIAL; Hereditary breast cancer; hereditary breast carcinoma. Identifiers: Orphanet 227535, MedGen C0346153, MONDO:0016419, OMIM 114480. Disease mechanism: loss of function.
Fanconi anemia complementation group J. Also called: BRIP1-Related Fanconi Anemia. Identifiers: Orphanet 84, MedGen C1836860, MONDO:0012187, OMIM 609054.

Submission:

Labcorp Genetics (formerly Invitae), Labcorp
Classification: Uncertain significance for Familial cancer of breast; Fanconi anemia complementation group J. Last evaluated: 2022-09-26. Review status: criteria provided, single submitter. Criteria: Invitae Variant Classification Sherloc (09022015). Collection method: clinical testing. Allele origin: germline.
Comment: This sequence change replaces isoleucine, which is neutral and non-polar, with phenylalanine, which is neutral and non-polar, at codon 259 of the BRIP1 protein (p.Ile259Phe). This variant is not present in population databases (gnomAD no frequency). This variant has not been reported in the literature in individuals affected with BRIP1-related conditions. Advanced modeling of protein sequence and biophysical properties (such as structural, functional, and spatial information, amino acid conservation, physicochemical variation, residue mobility, and thermodynamic stability) performed at Invitae indicates that this missense variant is expected to disrupt BRIP1 protein function. In summary, the available evidence is currently insufficient to determine the role of this variant in disease. Therefore, it has been classified as a Variant of Uncertain Significance.

NM_032043.3(BRIP1):c.775A>T (p.Ile259Phe)

Gene: BRIP1 (BRCA1 interacting DNA helicase 1; minus strand). Cytogenetic location: 17q23.2.
Variant type: single nucleotide variant.
Coding change: c.775A>T on transcript NM_032043.3 (MANE Select); coding-DNA position 775, A replaced by T.
Protein change: p.Ile259Phe; replaces isoleucine 259 with phenylalanine.
Molecular consequence: missense variant.
Genome position (GRCh38, 1-based): chr17:61,808,610, T>A on the plus strand (A>T on the coding strand, the complement: BRIP1 is on the minus strand). VCF-style: chr17-61808610-T-A. GRCh37 (hg19) VCF-style: chr17-59885971-T-A.
Other names: short protein forms I259F.
Identifiers: ClinVar variation 1720135 (VCV001720135.5), dbSNP rs2145417254, ClinGen allele CA400484932.
Genomic context (GRCh38, chr17:61,808,610, plus strand): 5'-TGCTGGAAAGAATAGTCATTGGAACCCCTGAATATGCCGTCCTCCGGAGCTCTCTAGTAA[T>A]CTGAGCAATCTGCTTGTGTGTGCGTGTCCCAAAATATATTTTGGGTATCTTGGATTTCCC-3'
Protein context (NP_114432.2, residues 249-269): GTRTHKQIAQ[Ile259Phe]TRELRRTAYS